The following is an entry in ClinVar:

ClinVar aggregate classification (germline): Uncertain significance. Review status: criteria provided, multiple submitters, no conflicts (2 of 4 stars). 2 submissions from 2 submitters: Uncertain significance (2). Last evaluated 2025-11-23.

Allele frequency attached by ClinVar (database versions not stated): gnomAD 0.00001; gnomAD exomes 0.00001.
gnomAD v4.1: 21 of 1,613,992 alleles (0.0013%); highest among the groups gnomAD compares: Non-Finnish European, 0.0018%; no homozygotes.

Submissions (2):

Labcorp Genetics (formerly Invitae), Labcorp
Classification: Uncertain significance. Last evaluated: 2025-11-23. Review status: criteria provided, single submitter. Criteria: Invitae Variant Classification Sherloc (09022015). Collection method: clinical testing. Allele origin: germline.
Comment: This sequence change replaces asparagine, which is neutral and polar, with lysine, which is basic and polar, at codon 1676 of the SCN3A protein (p.Asn1676Lys). This variant is present in population databases (no rsID available, gnomAD 0.007%). This variant has not been reported in the literature in individuals affected with SCN3A-related conditions. ClinVar contains an entry for this variant (Variation ID: 950641). Invitae Evidence Modeling of protein sequence and biophysical properties (such as structural, functional, and spatial information, amino acid conservation, physicochemical variation, residue mobility, and thermodynamic stability) has been performed for this missense variant. However, the output from this modeling did not meet the statistical confidence thresholds required to predict the impact of this variant on SCN3A protein function. In summary, the available evidence is currently insufficient to determine the role of this variant in disease. Therefore, it has been classified as a Variant of Uncertain Significance.

Blueprint Genetics
Classification: Uncertain significance. Last evaluated: 2024-09-12. Review status: criteria provided, single submitter. Criteria: ACMG Guidelines, 2015. Collection method: clinical testing. Allele origin: germline.

NM_006922.4(SCN3A):c.5028C>A (p.Asn1676Lys)

Gene: SCN3A (sodium voltage-gated channel alpha subunit 3; minus strand). Cytogenetic location: 2q24.3.
Variant type: single nucleotide variant.
Coding change: c.5028C>A on transcript NM_006922.4 (MANE Select); coding-DNA position 5028, C replaced by A.
Protein change: p.Asn1676Lys; replaces asparagine 1676 with lysine.
Molecular consequence: missense variant.
Genome position (GRCh38, 1-based): chr2:165,091,125, G>T on the plus strand (C>A on the coding strand, the complement: SCN3A is on the minus strand). VCF-style: chr2-165091125-G-T. GRCh37 (hg19) VCF-style: chr2-165947635-G-T.
Other names: c.4881C>A, p.Asn1627Lys (NM_001081676.2, NM_001081677.2); short protein forms N1627K, N1676K.
Identifiers: ClinVar variation 950641 (VCV000950641.10), dbSNP rs1254953174, ClinGen allele CA349017581.